The following is an entry in ClinVar:

NM_000069.3(CACNA1S):c.3852C>T (p.Ile1284=)

Gene: CACNA1S (calcium voltage-gated channel subunit alpha1 S; minus strand). Cytogenetic location: 1q32.1.
Variant type: single nucleotide variant.
Coding change: c.3852C>T on transcript NM_000069.3 (MANE Select); coding-DNA position 3852, C replaced by T.
Protein change: p.Ile1284=; no amino-acid change (isoleucine 1284 retained).
Molecular consequence: synonymous variant.
Genome position (GRCh38, 1-based): chr1:201,053,218, G>A on the plus strand (C>T on the coding strand, the complement: CACNA1S is on the minus strand). VCF-style: chr1-201053218-G-A. GRCh37 (hg19) VCF-style: chr1-201022346-G-A.
Identifiers: ClinVar variation 1543308 (VCV001543308.33), dbSNP rs1024486307, ClinGen allele CA36002544.

ClinVar aggregate classification (germline): Likely benign. Review status: criteria provided, multiple submitters, no conflicts (2 of 4 stars). 4 submissions from 4 submitters: Likely benign (4). Last evaluated 2024-01-01.

Conditions:
Malignant hyperthermia, susceptibility to, 5 (MHS5). Also called: CACNA1S-Related Malignant Hyperthermia Susceptibility. Identifiers: Orphanet 423, MedGen C1866077, MONDO:0011163, OMIM 601887.
Hypokalemic periodic paralysis, type 1. Also called: Hypokalemic Periodic Paralysis Type 1 (AD); HypoPP. Identifiers: Orphanet 681, MedGen C3714580, MONDO:0042979, OMIM 170400.

Allele frequency attached by ClinVar (database versions not stated): TOPMed below 0.00001; gnomAD 0.00001 and 0.00002; gnomAD exomes 0.00001 and 0.00002.
gnomAD v4.1: 11 of 1,614,092 alleles (0.00068%); highest among the groups gnomAD compares: Admixed American, 0.0033%; no homozygotes.

Submissions (4):

CeGaT Center for Human Genetics Tuebingen
Classification: Likely benign. Last evaluated: 2024-01-01. Review status: criteria provided, single submitter. Criteria: CeGaT Center For Human Genetics Tuebingen Variant Classification Criteria Version 2. Collection method: clinical testing. Allele origin: germline. Affected: yes. Observed: 1 variant allele.
Comment: CACNA1S: BP4, BP7

All of Us Research Program, National Institutes of Health
Classification: Likely benign for Malignant hyperthermia, susceptibility to, 5. Last evaluated: 2023-06-08. Review status: criteria provided, single submitter. Criteria: ACMG Guidelines, 2015. Collection method: clinical testing. Allele origin: germline. Inheritance: Autosomal dominant inheritance. Observed: 2 variant alleles, 2 heterozygotes.
Comment: This variant is located in the CACNA1S protein. To our knowledge, functional studies have not been reported for this variant. This variant has not been reported in individuals affected with CACNA1S-related disorders in the literature. This variant has been identified in 6/282826 chromosomes in the general population by the Genome Aggregation Database (gnomAD). The available evidence is insufficient to determine the role of this variant in disease conclusively. Therefore, this variant is classified as a Variant of Uncertain Significance.

This study involves interpretation of variants in research participants for the purpose of population health screening. Participant phenotype was not available at the time of variant classification. Additional details can be found in publication PMID: 35346344, PMCID: PMC8962531

Color Diagnostics, LLC DBA Color Health
Classification: Likely benign for Malignant hyperthermia, susceptibility to, 5. Last evaluated: 2023-05-08. Review status: criteria provided, single submitter. Criteria: ACMG Guidelines, 2015. Collection method: clinical testing. Allele origin: germline.

Labcorp Genetics (formerly Invitae), Labcorp
Classification: Likely benign for Hypokalemic periodic paralysis, type 1; Malignant hyperthermia, susceptibility to, 5. Last evaluated: 2021-09-16. Review status: criteria provided, single submitter. Criteria: Invitae Variant Classification Sherloc (09022015). Collection method: clinical testing. Allele origin: germline.